The following is an entry in ClinVar:

ClinVar aggregate classification (germline): Pathogenic (1 of 4 stars; one submission).

Conditions:
Developmental and epileptic encephalopathy. Identifiers: MedGen C5779964, MONDO:0100620.

Submission:

Labcorp Genetics (formerly Invitae), Labcorp
Classification: Pathogenic for Early-infantile DEE. Last evaluated: 2020-02-17. Review status: criteria provided, single submitter. Criteria: Invitae Variant Classification Sherloc (09022015). Collection method: clinical testing. Allele origin: germline.
Comment: This sequence change creates a premature translational stop signal (p.Lys1412*) in the SCN1A gene. It is expected to result in an absent or disrupted protein product. This variant is not present in population databases (ExAC no frequency). This variant has not been reported in the literature in individuals with SCN1A-related conditions. Algorithms developed to predict the effect of sequence changes on RNA splicing suggest that this variant may create or strengthen a splice site, but this prediction has not been confirmed by published transcriptional studies. Loss-of-function variants in SCN1A are known to be pathogenic (PMID: 17347258, 18930999). For these reasons, this variant has been classified as Pathogenic.

Literature cited by the submitters: PubMed 17347258; PubMed 18930999.

NM_001165963.4(SCN1A):c.4234A>T (p.Lys1412Ter)

Genes: SCN1A (sodium voltage-gated channel alpha subunit 1; minus strand), LOC102724058 (uncharacterized LOC102724058; plus strand). Cytogenetic location: 2q24.3.
Variant type: single nucleotide variant.
Coding change: c.4234A>T on transcript NM_001165963.4 (MANE Select); coding-DNA position 4234, A replaced by T.
Protein change: p.Lys1412Ter; replaces lysine 1412 with a stop codon.
Molecular consequence: nonsense. On other transcripts: non-coding transcript variant (1).
Genome position (GRCh38, 1-based): chr2:166,002,522, T>A on the plus strand (A>T on the coding strand, the complement: SCN1A is on the minus strand). VCF-style: chr2-166002522-T-A. GRCh37 (hg19) VCF-style: chr2-166859032-T-A.
Other names: c.4150A>T, p.Lys1384Ter (NM_001165964.3, NM_001353957.2, NM_001353958.2); c.4234A>T, p.Lys1412Ter (NM_001202435.3, NM_001353948.2); c.4201A>T, p.Lys1401Ter (NM_001353949.2, NM_001353950.2, NM_001353951.2 and 2 more transcripts); c.4198A>T, p.Lys1400Ter (NM_001353954.2, NM_001353955.2); c.4147A>T, p.Lys1383Ter (NM_001353960.2); c.1792A>T, p.Lys598Ter (NM_001353961.2); short protein forms K1383*, K1384*, K1400*, K1401*, K1412*, K598*.
Identifiers: ClinVar variation 1075144 (VCV001075144.3), dbSNP rs1553524977, ClinGen allele CA349049970.